The following is an entry in ClinVar:

ClinVar aggregate classification (germline): Pathogenic (1 of 4 stars; one submission).

Submission:

Labcorp Genetics (formerly Invitae), Labcorp
Classification: Pathogenic. Last evaluated: 2017-12-22. Review status: criteria provided, single submitter. Criteria: Invitae Variant Classification Sherloc (09022015). Collection method: clinical testing. Allele origin: germline.
Comment: In summary, the currently available evidence indicates that the variant is pathogenic, but additional data are needed to prove that conclusively. Therefore, this variant has been classified as Likely Pathogenic. Algorithms developed to predict the effect of missense changes on protein structure and function do not agree on the potential impact of this missense change (SIFT: "Deleterious"; PolyPhen-2: "Probably Damaging"; Align-GVGD: "Class C0"). Additionally, a different amino acid change at this same position, p.Pro369Arg, has been reported to be de novo in an individual affected with seizures, intellectual disability, and progressive brain atrophy, among other phenotypes (PMID: 28669405). This variant is not present in population databases (ExAC no frequency). This sequence change replaces proline with serine at codon 369 of the KCNQ5 protein (p.Pro369Ser). The proline residue is highly conserved and there is a moderate physicochemical difference between proline and serine.

Literature cited by the submitters: PubMed 28669405.

NM_019842.4(KCNQ5):c.1105C>T (p.Pro369Ser)

Gene: KCNQ5 (potassium voltage-gated channel subfamily Q member 5; plus strand). Cytogenetic location: 6q13.
Variant type: single nucleotide variant.
Coding change: c.1105C>T on transcript NM_019842.4 (MANE Select); coding-DNA position 1105, C replaced by T.
Protein change: p.Pro369Ser; replaces proline 369 with serine.
Molecular consequence: missense variant.
Genome position (GRCh38, 1-based): chr6:73,111,383, C>T. VCF-style: chr6-73111383-C-T. GRCh37 (hg19) VCF-style: chr6-73821106-C-T.
Other names: c.1105C>T, p.Pro369Ser (NM_001160130.2, NM_001160132.2, NM_001160133.2 and 1 more transcripts); short protein forms P369S.
Identifiers: ClinVar variation 1072107 (VCV001072107.9), dbSNP rs1554210418, ClinGen allele CA364826972.